The following is an entry in ClinVar:

NM_000135.4(FANCA):c.1360-10C>G

Gene: FANCA (FA complementation group A; minus strand). Cytogenetic location: 16q24.3.
Variant type: single nucleotide variant.
Coding change: c.1360-10C>G on transcript NM_000135.4 (MANE Select); 10 bases into the intron before coding-DNA position 1360, C replaced by G.
Molecular consequence: intron variant.
Genome position (GRCh38, 1-based): chr16:89,784,974, G>C on the plus strand (C>G on the coding strand, the complement: FANCA is on the minus strand). VCF-style: chr16-89784974-G-C. GRCh37 (hg19) VCF-style: chr16-89851382-G-C.
Other names: c.1360-10C>G (NM_000135.3, NM_001286167.3).
Identifiers: ClinVar variation 696566 (VCV000696566.23), dbSNP rs150836356, ClinGen allele CA8252354.
Genomic context (GRCh38, chr16:89,784,974, plus strand): 5'-CAGGGCCTTCTTGCTGCAGCCATGGTAGCCTCGTGTGCTCCCAAAGGAGGCCTGTGTGGA[G>C]AGAAGAGCGTGAAGCCCAGGACAGCCAGGCGCGGCTGCACCACCTAGGCAGTGTCCTGTG-3'

ClinVar aggregate classification (germline): Benign/Likely benign. Review status: criteria provided, multiple submitters, no conflicts (2 of 4 stars). 8 submissions from 8 submitters: Benign (3); Likely benign (3). 2 of the submissions do not count toward it. Last evaluated 2026-03-01.

Conditions:
Fanconi anemia complementation group A (FANCA). Also called: Fanconi anemia, group A; FANCA-Related Fanconi Anemia. Identifiers: Orphanet 84, MedGen C3469521, MONDO:0009215, OMIM 227650.
FANCA-related disorder. Also called: FANCA-related condition.
Fanconi anemia (FA). Also called: Fanconi's anemia. Identifiers: Orphanet 84, MedGen C0015625, MeSH D005199, MONDO:0019391.

Allele frequency attached by ClinVar (database versions not stated): ESP Exome Variant Server 0.00108; 1000 Genomes Project 30x 0.00125; 1000 Genomes Project 0.00140; gnomAD 0.00151 and 0.00165; TOPMed 0.00178.

Submissions (8):

CeGaT Center for Human Genetics Tuebingen
Classification: Likely benign. Last evaluated: 2026-03-01. Review status: criteria provided, single submitter. Criteria: CeGaT Center For Human Genetics Tuebingen Variant Classification Criteria Version 2. Collection method: clinical testing. Allele origin: germline. Affected: yes. Observed: 1 variant allele.
Comment: FANCA: BS2

Labcorp Genetics (formerly Invitae), Labcorp
Classification: Benign for Fanconi anemia. Last evaluated: 2026-01-31. Review status: criteria provided, single submitter. Criteria: Invitae Variant Classification Sherloc (09022015). Collection method: clinical testing. Allele origin: germline.

Quest Diagnostics Nichols Institute San Juan Capistrano
Classification: Benign. Last evaluated: 2025-11-07. Review status: criteria provided, single submitter. Criteria: Quest Diagnostics criteria. Collection method: clinical testing. Allele origin: unknown.

Blueprint Genetics
Classification: Likely benign. Last evaluated: 2024-08-06. Review status: criteria provided, single submitter. Criteria: ACMG Guidelines, 2015. Collection method: clinical testing. Allele origin: germline.

Sema4
Classification: Benign for Fanconi anemia. Last evaluated: 2020-10-23. Review status: criteria provided, single submitter. Criteria: Sema4 Curation Guidelines. Collection method: curation. Allele origin: germline.

Genetic Services Laboratory, University of Chicago
Classification: Likely benign. Last evaluated: 2019-06-26. Review status: criteria provided, single submitter. Criteria: ACMG Guidelines, 2015. Collection method: clinical testing. Allele origin: germline. Affected: no.

Natera, Inc.
Classification: Benign for Fanconi anemia, group A. Last evaluated: 2020-09-16. Review status: no assertion criteria provided. Collection method: clinical testing. Allele origin: germline. Not counted in ClinVar's aggregate classification.

PreventionGenetics, part of Exact Sciences
Classification: Likely benign for FANCA-related condition. Last evaluated: 2019-10-11. Review status: no assertion criteria provided. Collection method: clinical testing. Allele origin: germline. Not counted in ClinVar's aggregate classification.
Comment: This variant is classified as likely benign based on ACMG/AMP sequence variant interpretation guidelines (Richards et al. 2015 PMID: 25741868, with internal and published modifications).